The following is an entry in ClinVar:

ClinVar aggregate classification (germline): Pathogenic (1 of 4 stars; one submission).

Conditions:
Nemaline myopathy 2 (NEM2). Also called: Nemaline myopathy 2, autosomal recessive. Identifiers: MedGen C1850569, MONDO:0009725, OMIM 256030.

Submission:

Labcorp Genetics (formerly Invitae), Labcorp
Classification: Pathogenic for Nemaline myopathy 2. Last evaluated: 2021-01-07. Review status: criteria provided, single submitter. Criteria: Invitae Variant Classification Sherloc (09022015). Collection method: clinical testing. Allele origin: germline.
Comment: For these reasons, this variant has been classified as Pathogenic. This variant has not been reported in the literature in individuals with NEB-related conditions. This variant is not present in population databases (ExAC no frequency). This sequence change creates a premature translational stop signal (p.Lys1378*) in the NEB gene. It is expected to result in an absent or disrupted protein product. Loss-of-function variants in NEB are known to be pathogenic (PMID: 25205138).

Literature cited by the submitters: PubMed 25205138.

NM_001164508.2(NEB):c.4132A>T (p.Lys1378Ter)

Gene: NEB (nebulin; minus strand). Cytogenetic location: 2q23.3.
Variant type: single nucleotide variant.
Coding change: c.4132A>T on transcript NM_001164508.2 (MANE Select); coding-DNA position 4132, A replaced by T.
Protein change: p.Lys1378Ter; replaces lysine 1378 with a stop codon.
Molecular consequence: nonsense.
Genome position (GRCh38, 1-based): chr2:151,672,536, T>A on the plus strand (A>T on the coding strand, the complement: NEB is on the minus strand). VCF-style: chr2-151672536-T-A. GRCh37 (hg19) VCF-style: chr2-152529050-T-A.
Other names: c.4132A>T, p.Lys1378Ter (NM_001164507.2, NM_001271208.2, NM_004543.5); short protein forms K1378*.
Identifiers: ClinVar variation 1459967 (VCV001459967.6), dbSNP rs2154193668, ClinGen allele CA348816726.